The following is an entry in ClinVar:

ClinVar aggregate classification (germline): Pathogenic (1 of 4 stars; one submission).

Submission:

Labcorp Genetics (formerly Invitae), Labcorp
Classification: Pathogenic. Last evaluated: 2023-03-03. Review status: criteria provided, single submitter. Criteria: Invitae Variant Classification Sherloc (09022015). Collection method: clinical testing. Allele origin: germline.
Comment: For these reasons, this variant has been classified as Pathogenic. This variant has not been reported in the literature in individuals affected with TG-related conditions. This variant is not present in population databases (gnomAD no frequency). This sequence change creates a premature translational stop signal (p.Gln1870*) in the TG gene. It is expected to result in an absent or disrupted protein product. Loss-of-function variants in TG are known to be pathogenic (PMID: 19837936, 23164529).

Literature cited by the submitters: PubMed 19837936; PubMed 23164529.

NM_003235.5(TG):c.5608C>T (p.Gln1870Ter)

Gene: TG (thyroglobulin; plus strand). Cytogenetic location: 8q24.22.
Variant type: single nucleotide variant.
Coding change: c.5608C>T on transcript NM_003235.5 (MANE Select); coding-DNA position 5608, C replaced by T.
Protein change: p.Gln1870Ter; replaces glutamine 1870 with a stop codon.
Molecular consequence: nonsense.
Genome position (GRCh38, 1-based): chr8:132,966,619, C>T. VCF-style: chr8-132966619-C-T. GRCh37 (hg19) VCF-style: chr8-133978864-C-T.
Other names: short protein forms Q1870*.
Identifiers: ClinVar variation 2826212 (VCV002826212.3), dbSNP rs201193012, ClinGen allele CA372233201.
Genomic context (GRCh38, chr8:132,966,619, plus strand): 5'-GGTTTGACAACAGAACTTTTCTCCCCTGTGGACCTCAACCAGGTCATTGTCAATGGAAAT[C>T]AATCACTATCCAGCCAGAAGCACTGGCTTTTCAAGCACCTGTTTTCAGCCCAGCAGGCAA-3'